The following is an entry in ClinVar:

ClinVar aggregate classification (germline): Uncertain significance (1 of 4 stars; one submission).

Conditions:
VWF-related disorder. Also called: VWF-related disorders; VWF-related condition.

gnomAD v4.1: 12 of 1,613,798 alleles (0.00074%); highest among the groups gnomAD compares: South Asian, 0.0011%; no homozygotes.

Submission:

Daryl Scott Lab, Baylor College of Medicine
Classification: Uncertain significance for VWF-related disorder. Review status: criteria provided, single submitter. Criteria: ACMG Guidelines, 2015. Collection method: clinical testing. Allele origin: paternal. Affected: yes. Observed: 1 compound heterozygote.
Comment: PP3

NM_000552.5(VWF):c.5878A>G (p.Thr1960Ala)

Gene: VWF (von Willebrand factor; minus strand). Cytogenetic location: 12p13.31.
Variant type: single nucleotide variant.
Coding change: c.5878A>G on transcript NM_000552.5 (MANE Select); coding-DNA position 5878, A replaced by G.
Protein change: p.Thr1960Ala; replaces threonine 1960 with alanine.
Molecular consequence: missense variant.
Genome position (GRCh38, 1-based): chr12:5,996,187, T>C on the plus strand (A>G on the coding strand, the complement: VWF is on the minus strand). VCF-style: chr12-5996187-T-C. GRCh37 (hg19) VCF-style: chr12-6105353-T-C.
Other names: short protein forms T1960A.
Identifiers: ClinVar variation 4279669 (VCV004279669.1).